The following is an entry in ClinVar:

ClinVar aggregate classification (germline): Pathogenic (0 of 4 stars; one submission).

Conditions:
Early Onset Neurological Disease Trait.

Submission:

Lupski Lab, Baylor-Hopkins CMG, Baylor College of Medicine
Classification: Pathogenic for Early Onset Neurological Disease Trait. Review status: no assertion criteria provided. Collection method: research. Allele origin: de novo. Inheritance: X-linked inheritance. Affected: yes. Observed: 1 variant allele.

GRCh37/hg19 Xq22.1-22.3(chrX:101029649-106702784)x1

Genes: ARMCX5 (armadillo repeat containing X-linked 5; plus strand), ARMCX5-GPRASP2 (ARMCX5-GPRASP2 readthrough; plus strand), BEX1 (brain expressed X-linked 1; minus strand), BEX2 (brain expressed X-linked 2; minus strand), BEX3 (brain expressed X-linked 3; plus strand) and 48 more. Cytogenetic location: Xq22.1-22.3.
Variant type: copy number loss.
Change: copy number 1 of chrX:101,029,649-106,702,784 (5.67 Mb, GRCh37 coordinates, 1-based), cytogenetic band Xq22.1-22.3.
Identifiers: ClinVar variation 691849 (VCV000691849.2).